The following is an entry in ClinVar:

NM_016239.4(MYO15A):c.8008C>T (p.Gln2670Ter)

Gene: MYO15A (myosin XVA; plus strand). Cytogenetic location: 17p11.2.
Variant type: single nucleotide variant.
Coding change: c.8008C>T on transcript NM_016239.4 (MANE Select); coding-DNA position 8008, C replaced by T.
Protein change: p.Gln2670Ter; replaces glutamine 2670 with a stop codon.
Molecular consequence: nonsense.
Genome position (GRCh38, 1-based): chr17:18,153,816, C>T. VCF-style: chr17-18153816-C-T. GRCh37 (hg19) VCF-style: chr17-18057130-C-T.
Other names: short protein forms Q2670*.
Identifiers: ClinVar variation 3601395 (VCV003601395.1).

ClinVar aggregate classification (germline): Likely pathogenic (1 of 4 stars; one submission).

Conditions:
Autosomal recessive nonsyndromic hearing loss 3. Also called: NEUROSENSORY NONSYNDROMIC RECESSIVE DEAFNESS 3. Identifiers: Orphanet 90636, MedGen C1838263, MONDO:0010860, OMIM 600316.

Submission:

Institute of Rare Diseases, West China Hospital, Sichuan University
Classification: Likely pathogenic for Autosomal recessive nonsyndromic hearing loss 3. Last evaluated: 2025-01-09. Review status: criteria provided, single submitter. Criteria: ClinGen HL ACMG Specifications v1. Collection method: research. Allele origin: germline. Affected: yes.
Comment: PVS1;PM2_Supporting